The following is an entry in ClinVar:

NM_000264.5(PTCH1):c.4133C>G (p.Thr1378Ser)

Gene: PTCH1 (patched 1; minus strand). Cytogenetic location: 9q22.32.
Variant type: single nucleotide variant.
Coding change: c.4133C>G on transcript NM_000264.5 (MANE Select); coding-DNA position 4133, C replaced by G.
Protein change: p.Thr1378Ser; replaces threonine 1378 with serine.
Molecular consequence: missense variant. On other transcripts: non-coding transcript variant (1).
Genome position (GRCh38, 1-based): chr9:95,447,123, G>C on the plus strand (C>G on the coding strand, the complement: PTCH1 is on the minus strand). VCF-style: chr9-95447123-G-C. GRCh37 (hg19) VCF-style: chr9-98209405-G-C.
Other names: c.3935C>G, p.Thr1312Ser (NM_001083602.3); c.4130C>G, p.Thr1377Ser (NM_001083603.3); c.3680C>G, p.Thr1227Ser (NM_001083604.3, NM_001083605.3, NM_001083606.3 and 1 more transcripts); c.3977C>G, p.Thr1326Ser (NM_001354918.2); short protein forms T1378S, T1377S, T1227S, T1312S, T1326S.
Identifiers: ClinVar variation 2858146 (VCV002858146.4), dbSNP rs2136575592, ClinGen allele CA374110252.

ClinVar aggregate classification (germline): Uncertain significance. Review status: criteria provided, multiple submitters, no conflicts (2 of 4 stars). 2 submissions from 2 submitters: Uncertain significance (2). Last evaluated 2026-02-04.

Conditions:
Hereditary cancer-predisposing syndrome. Also called: Tumor predisposition; Neoplastic Syndromes, Hereditary; Hereditary Cancer Syndrome; Hereditary neoplastic syndrome. Identifiers: Orphanet 140162, MedGen C0027672, MeSH D009386, MONDO:0015356.
Gorlin syndrome. Also called: Nevoid Basal Cell Carcinoma Syndrome; Basal cell nevus syndrome. Identifiers: Orphanet 377, MedGen C0004779, MONDO:0007187.

Submissions (2):

Ambry Genetics
Classification: Uncertain significance for Hereditary cancer-predisposing syndrome. Last evaluated: 2026-02-04. Review status: criteria provided, single submitter. Criteria: Ambry Variant Classification Scheme 2023. Collection method: clinical testing. Allele origin: germline.
Comment: The p.T1378S variant (also known as c.4133C>G), located in coding exon 23 of the PTCH1 gene, results from a C to G substitution at nucleotide position 4133. The threonine at codon 1378 is replaced by serine, an amino acid with similar properties. This amino acid position is highly conserved in available vertebrate species. In addition, the in silico prediction for this alteration is inconclusive. Based on the available evidence, the clinical significance of this variant remains unclear.

Labcorp Genetics (formerly Invitae), Labcorp
Classification: Uncertain significance for Gorlin syndrome. Last evaluated: 2023-04-22. Review status: criteria provided, single submitter. Criteria: Invitae Variant Classification Sherloc (09022015). Collection method: clinical testing. Allele origin: germline.
Comment: This variant is not present in population databases (gnomAD no frequency). In summary, the available evidence is currently insufficient to determine the role of this variant in disease. Therefore, it has been classified as a Variant of Uncertain Significance. Advanced modeling of protein sequence and biophysical properties (such as structural, functional, and spatial information, amino acid conservation, physicochemical variation, residue mobility, and thermodynamic stability) performed at Invitae indicates that this missense variant is not expected to disrupt PTCH1 protein function. This variant has not been reported in the literature in individuals affected with PTCH1-related conditions. This sequence change replaces threonine, which is neutral and polar, with serine, which is neutral and polar, at codon 1378 of the PTCH1 protein (p.Thr1378Ser).